The following is an entry in ClinVar:

ClinVar aggregate classification (germline): Uncertain significance (1 of 4 stars; one submission).

Conditions:
Norman-Roberts syndrome (LIS2). Also called: Lissencephaly 2 (Norman-Roberts type). Identifiers: Orphanet 89844, MedGen C0796089, MONDO:0009760, OMIM 257320.
Familial temporal lobe epilepsy 7. Identifiers: Orphanet 101046, MedGen C4225327, MONDO:0014639, OMIM 616436.

Submission:

Labcorp Genetics (formerly Invitae), Labcorp
Classification: Uncertain significance for Familial temporal lobe epilepsy 7; Norman-Roberts syndrome. Last evaluated: 2024-11-05. Review status: criteria provided, single submitter. Criteria: Invitae Variant Classification Sherloc (09022015). Collection method: clinical testing. Allele origin: germline.
Comment: This sequence change replaces proline, which is neutral and non-polar, with alanine, which is neutral and non-polar, at codon 1983 of the RELN protein (p.Pro1983Ala). This variant is not present in population databases (gnomAD no frequency). This variant has not been reported in the literature in individuals affected with RELN-related conditions. ClinVar contains an entry for this variant (Variation ID: 1448264). Invitae Evidence Modeling of protein sequence and biophysical properties (such as structural, functional, and spatial information, amino acid conservation, physicochemical variation, residue mobility, and thermodynamic stability) indicates that this missense variant is not expected to disrupt RELN protein function with a negative predictive value of 80%. In summary, the available evidence is currently insufficient to determine the role of this variant in disease. Therefore, it has been classified as a Variant of Uncertain Significance.

NM_005045.4(RELN):c.5947C>G (p.Pro1983Ala)

Gene: RELN (reelin; minus strand). Cytogenetic location: 7q22.1.
Variant type: single nucleotide variant.
Coding change: c.5947C>G on transcript NM_005045.4 (MANE Select); coding-DNA position 5947, C replaced by G.
Protein change: p.Pro1983Ala; replaces proline 1983 with alanine.
Molecular consequence: missense variant.
Genome position (GRCh38, 1-based): chr7:103,553,682, G>C on the plus strand (C>G on the coding strand, the complement: RELN is on the minus strand). VCF-style: chr7-103553682-G-C. GRCh37 (hg19) VCF-style: chr7-103194129-G-C.
Other names: c.5947C>G, p.Pro1983Ala (NM_173054.3); short protein forms P1983A.
Identifiers: ClinVar variation 1448264 (VCV001448264.6), dbSNP rs2117159651, ClinGen allele CA368739626.